The following is an entry in ClinVar:

NM_000875.5(IGF1R):c.2062A>G (p.Lys688Glu)

Gene: IGF1R (insulin like growth factor 1 receptor; plus strand). Cytogenetic location: 15q26.3.
Variant type: single nucleotide variant.
Coding change: c.2062A>G on transcript NM_000875.5 (MANE Select); coding-DNA position 2062, A replaced by G.
Protein change: p.Lys688Glu; replaces lysine 688 with glutamic acid.
Molecular consequence: missense variant.
Genome position (GRCh38, 1-based): chr15:98,916,737, A>G. VCF-style: chr15-98916737-A-G. GRCh37 (hg19) VCF-style: chr15-99459966-A-G.
Other names: c.2062A>G, p.Lys688Glu (NM_001291858.2); short protein forms K688E.
Identifiers: ClinVar variation 4686296 (VCV004686296.1).
Genomic context (GRCh38, chr15:98,916,737, plus strand): 5'-ATCCCCATCAGGAAGTATGCCGACGGCACCATCGACATTGAGGAGGTCACAGAGAACCCC[A>G]AGACTGAGGTGTGTGGTGGGGAGAAAGGGCCTTGCTGCGCCTGCCCCAAAACTGAAGCCG-3'
Protein context (NP_000866.1, residues 678-698): IDIEEVTENP[Lys688Glu]TEVCGGEKGP

ClinVar aggregate classification (germline): Uncertain significance (1 of 4 stars; one submission).

Submission:

GeneDx
Classification: Uncertain significance. Last evaluated: 2025-07-15. Review status: criteria provided, single submitter. Criteria: GeneDx Variant Classification Process June 2021. Collection method: clinical testing. Allele origin: germline. Affected: yes.
Comment: Not observed at significant frequency in large population cohorts (gnomAD); In silico analysis suggests that this missense variant does not alter protein structure/function; Has not been previously published as pathogenic or benign to our knowledge